The following is an entry in ClinVar:

ClinVar aggregate classification (germline): Conflicting classifications of pathogenicity. Review status: criteria provided, conflicting classifications (1 of 4 stars). 17 submissions from 13 submitters: Uncertain significance (3); Benign (3); Likely benign (8). 3 of the submissions do not count toward it. Last evaluated 2026-03-27.

Conditions:
TTN-related disorder. Also called: TTN-related condition; TTN-related disease; TTN-related disorders.
Cardiovascular phenotype. Identifiers: MedGen CN230736.
Autosomal recessive limb-girdle muscular dystrophy type 2J (LGMDR10). Also called: Limb-girdle muscular dystrophy, type 2J; MUSCULAR DYSTROPHY, LIMB-GIRDLE, AUTOSOMAL RECESSIVE 10. Identifiers: Orphanet 140922, MedGen C1837342, MONDO:0012127, OMIM 608807.
Dilated cardiomyopathy 1G (CMD1G). Identifiers: Orphanet 154, MedGen C1858763, MONDO:0011400, OMIM 604145.
Early-onset myopathy with fatal cardiomyopathy (CMYO5). Also called: Salih Myopathy; CONGENITAL MYOPATHY 5 WITH CARDIOMYOPATHY. Identifiers: Orphanet 289377, MedGen C2673677, MONDO:0012714, OMIM 611705. Disease mechanism: loss of function.
Myopathy, myofibrillar, 9, with early respiratory failure (MFM9). Also called: Hereditary myopathy with early respiratory failure; EDSTROM MYOPATHY; MYOPATHY, PROXIMAL, WITH EARLY RESPIRATORY MUSCLE INVOLVEMENT; Myopathy, distal, with early respiratory failure, autosomal dominant. Identifiers: Orphanet 178464, Orphanet 34521, MedGen C1863599, MONDO:0011362, OMIM 603689.
Tibial muscular dystrophy (TMD). Also called: UDD MYOPATHY; Udd Distal Myopathy – Tibial Muscular Dystrophy; Tibial muscular dystrophy, tardive. Identifiers: Orphanet 609, MedGen C1838244, MONDO:0010870, OMIM 600334.

Allele frequency attached by ClinVar (database versions not stated): gnomAD exomes 0.00010 and 0.00026; ExAC 0.00036; gnomAD 0.00090 and 0.00097; TOPMed 0.00096; 1000 Genomes Project 0.00120; ESP Exome Variant Server 0.00124; 1000 Genomes Project 30x 0.00141.
gnomAD v4.1: 292 of 1,613,476 alleles (0.018%); highest among the groups gnomAD compares: African/African-American, 0.35%; 3 homozygotes.

Submissions (17):

Molecular Diagnostic Laboratory for Inherited Cardiovascular Disease, Montreal Heart Institute
Classification: Likely benign. Last evaluated: 2026-03-27. Review status: criteria provided, single submitter. Criteria: ACMG Guidelines, 2015. Collection method: clinical testing. Allele origin: germline. Affected: no.

Labcorp Genetics (formerly Invitae), Labcorp
Classification: Likely benign for Dilated cardiomyopathy 1G; Autosomal recessive limb-girdle muscular dystrophy type 2J. Last evaluated: 2026-01-25. Review status: criteria provided, single submitter. Criteria: Invitae Variant Classification Sherloc (09022015). Collection method: clinical testing. Allele origin: germline.

Blueprint Genetics
Classification: Likely benign. Last evaluated: 2024-06-20. Review status: criteria provided, single submitter. Criteria: ACMG Guidelines, 2015. Collection method: clinical testing. Allele origin: germline.

GeneDx
Classification: Likely benign. Last evaluated: 2021-02-24. Review status: criteria provided, single submitter. Criteria: GeneDx Variant Classification Process June 2021. Collection method: clinical testing. Allele origin: germline. Affected: yes.

Women's Health and Genetics/Laboratory Corporation of America, LabCorp
Classification: Benign. Last evaluated: 2020-08-31. Review status: criteria provided, single submitter. Criteria: LabCorp Variant Classification Summary - May 2015. Collection method: clinical testing. Allele origin: germline.
Comment: Variant summary: TTN c.67187C>T (p.Pro22396Leu) results in a non-conservative amino acid change located in the A-band region of the encoded protein sequence. Three of five in-silico tools predict a damaging effect of the variant on protein function. The variant allele was found at a frequency of 0.00026 in 248440 control chromosomes, predominantly at a frequency of 0.0037 within the African or African-American subpopulation in the gnomAD database, including 1 homozygote. The observed variant frequency within African or African-American control individuals in the gnomAD database is approximately 10-fold of the estimated maximal expected allele frequency for a pathogenic variant in TTN causing Dilated Cardiomyopathy phenotype (0.00039), strongly suggesting that the variant is a benign polymorphism found primarily in populations of African or African-American origin. The variant, c.67187C>T (also known as c.74891C>T), has been reported in the literature in 2 individuals affected with Dilated Cardiomyopathy (Pugh_2014, Tobita_2018). These report(s) do not provide unequivocal conclusions about association of the variant with Dilated Cardiomyopathy. To our knowledge, no experimental evidence demonstrating an impact on protein function has been reported. Six clinical diagnostic laboratories have submitted clinical-significance assessments for this variant to ClinVar after 2014 without evidence for independent evaluation, and all of them classified the variant as likely benign (5x) or benign (1x). Based on the evidence outlined above, the variant was classified as benign.

Ambry Genetics
Classification: Likely benign for Cardiovascular phenotype. Last evaluated: 2018-07-10. Review status: criteria provided, single submitter. Criteria: Ambry Variant Classification Scheme 2023. Collection method: clinical testing. Allele origin: germline.

Athena Diagnostics
Classification: Likely benign. Last evaluated: 2018-01-26. Review status: criteria provided, single submitter. Criteria: Athena Diagnostics Criteria. Collection method: clinical testing. Allele origin: germline.

Illumina Laboratory Services, Illumina
Classification: Uncertain significance for Autosomal recessive limb-girdle muscular dystrophy type 2J. Last evaluated: 2018-01-13. Review status: criteria provided, single submitter. Criteria: ICSL Variant Classification Criteria 13 December 2019. Collection method: clinical testing. Allele origin: germline.

Illumina Laboratory Services, Illumina
Classification: Benign for Myopathy, myofibrillar, 9, with early respiratory failure. Last evaluated: 2018-01-13. Review status: criteria provided, single submitter. Criteria: ICSL Variant Classification Criteria 13 December 2019. Collection method: clinical testing. Allele origin: germline.
Comment: This variant was observed in the ICSL laboratory as part of a predisposition screen in an ostensibly healthy population. It had not been previously curated by ICSL or reported in the Human Gene Mutation Database (HGMD: prior to June 1st, 2018), and was therefore a candidate for classification through an automated scoring system. Utilizing variant allele frequency, disease prevalence and penetrance estimates, and inheritance mode, an automated score was calculated to assess if this variant is too frequent to cause the disease. Based on the score and internal cut-off values, a variant classified as benign is not then subjected to further curation. The score for this variant resulted in a classification of benign for this disease.

Illumina Laboratory Services, Illumina
Classification: Uncertain significance for Early-onset myopathy with fatal cardiomyopathy. Last evaluated: 2018-01-13. Review status: criteria provided, single submitter. Criteria: ICSL Variant Classification Criteria 13 December 2019. Collection method: clinical testing. Allele origin: germline.

Illumina Laboratory Services, Illumina
Classification: Uncertain significance for Dilated cardiomyopathy 1G. Last evaluated: 2018-01-13. Review status: criteria provided, single submitter. Criteria: ICSL Variant Classification Criteria 13 December 2019. Collection method: clinical testing. Allele origin: germline.

Illumina Laboratory Services, Illumina
Classification: Benign for Tibial muscular dystrophy. Last evaluated: 2018-01-13. Review status: criteria provided, single submitter. Criteria: ICSL Variant Classification Criteria 13 December 2019. Collection method: clinical testing. Allele origin: germline.
Comment: the same text as in the submission from Illumina Laboratory Services, Illumina above.

Eurofins Ntd Llc (ga)
Classification: Likely benign. Last evaluated: 2017-01-03. Review status: criteria provided, single submitter. Criteria: EGL Classification Definitions 2015. Collection method: clinical testing. Allele origin: germline. Observed: 1 variant allele, 1 heterozygote.

Laboratory for Molecular Medicine, Mass General Brigham Personalized Medicine
Classification: Likely benign. Last evaluated: 2015-11-13. Review status: criteria provided, single submitter. Criteria: LMM Criteria. Collection method: clinical testing. Allele origin: germline. Observed: 2 variant alleles.
Comment: p.Pro22396Leu in exon 275 of TTN: This variant is not expected to have clinical significance because it has been identified in 0.4% (42/9798) of African chromos omes, including 2 homozygotes by the Exome Aggregation Consortium (ExAC; dbSNP rs72646899).

PreventionGenetics, part of Exact Sciences
Classification: Likely benign for TTN-related condition. Last evaluated: 2024-01-04. Review status: no assertion criteria provided. Collection method: clinical testing. Allele origin: germline. Not counted in ClinVar's aggregate classification.
Comment: This variant is classified as likely benign based on ACMG/AMP sequence variant interpretation guidelines (Richards et al. 2015 PMID: 25741868, with internal and published modifications).

Clinical Genetics, Academic Medical Center
Classification: Benign. Review status: no assertion criteria provided. Collection method: clinical testing. Allele origin: germline. Affected: yes. Study: VKGL Data-share Consensus. Not counted in ClinVar's aggregate classification.

Diagnostic Laboratory, Department of Genetics, University Medical Center Groningen
Classification: Likely benign. Review status: no assertion criteria provided. Collection method: clinical testing. Allele origin: germline. Affected: yes. Study: VKGL Data-share Consensus. Not counted in ClinVar's aggregate classification.

Literature cited by the submitters: PubMed 24503780 (cited by Women's Health and Genetics/Laboratory Corporation of America, LabCorp); PubMed 29386531 (cited by Women's Health and Genetics/Laboratory Corporation of America, LabCorp).

NM_001267550.2(TTN):c.74891C>T (p.Pro24964Leu)

Genes: TTN (titin; minus strand), TTN-AS1 (TTN antisense RNA 1; plus strand). Cytogenetic location: 2q31.2.
Variant type: single nucleotide variant.
Coding change: c.74891C>T on transcript NM_001267550.2 (MANE Select); coding-DNA position 74891, C replaced by T.
Protein change: p.Pro24964Leu; replaces proline 24964 with leucine.
Molecular consequence: missense variant.
Genome position (GRCh38, 1-based): chr2:178,571,241, G>A on the plus strand (C>T on the coding strand, the complement: TTN is on the minus strand). VCF-style: chr2-178571241-G-A. GRCh37 (hg19) VCF-style: chr2-179435968-G-A.
Other names: p.P23323L:CCT>CTT; c.69968C>T, p.Pro23323Leu (NM_001256850.1); c.67187C>T, p.Pro22396Leu (NM_133378.4); c.47696C>T, p.Pro15899Leu (NM_003319.4); c.48071C>T, p.Pro16024Leu (NM_133432.3); c.48272C>T, p.Pro16091Leu (NM_133437.4); short protein forms P24964L, P22396L, P23323L, P15899L, P16091L, P16024L.
Identifiers: ClinVar variation 47331 (VCV000047331.34), dbSNP rs72646899, ClinGen allele CA140708.